The following is an entry in ClinVar:

ClinVar aggregate classification (germline): Likely benign (1 of 4 stars; one submission).

Submission:

GeneDx
Classification: Likely benign. Last evaluated: 2017-07-28. Review status: criteria provided, single submitter. Criteria: GeneDx Variant Classification (06012015). Collection method: clinical testing. Allele origin: germline. Affected: yes.
Comment: This variant is considered likely benign or benign based on one or more of the following criteria: it is a conservative change, it occurs at a poorly conserved position in the protein, it is predicted to be benign by multiple in silico algorithms, and/or has population frequency not consistent with disease.

NM_001347721.2(DYRK1A):c.1072-19_1072-17del

Gene: DYRK1A (dual specificity tyrosine phosphorylation regulated kinase 1A; plus strand). Cytogenetic location: 21q22.13.
Variant type: Microsatellite.
Coding change: c.1072-19_1072-17del on transcript NM_001347721.2 (MANE Select); 19 bases into the intron before coding-DNA position 1072 through 17 bases into the intron before coding-DNA position 1072, 3 bases deleted (GTT; older notation c.1072-19_1072-17delGTT).
Molecular consequence: intron variant.
Genome position (GRCh38, 1-based): chr21:37,496,099-37,496,101, GTT deleted; deleting any 3 consecutive bases within chr21:37,496,094-37,496,101 gives the same sequence; the c. name uses the placement nearest the transcript's 3' end. VCF-style (leftmost placement, unchanged base first): chr21-37496093-TTTG-T. GRCh37 (hg19) VCF-style: chr21-38868395-TTTG-T.
Other names: c.1099-19_1099-17del (NM_001396.5, NM_101395.2, NM_130438.2); c.1072-19_1072-17del (NM_001347722.2, NM_130436.2); c.985-19_985-17del (NM_001347723.2); c.1099-19_1099-17delGTT (NM_001396.3).
Identifiers: ClinVar variation 511084 (VCV000511084.1), dbSNP rs1384038532, ClinGen allele CA658799442.
Genomic context (GRCh38, chr21:37,496,093, plus strand): 5'-ATTTATTTATGAATGAATGACTTGATGAGCAGGAGTAGATGTACAGTAGAAATTACAGGT[TTTG>T]TTGTTTTTATTTTTAATACAGGTAGATCAGATGAATAAAATAGTGGAAGTTCTGGGTATT-3'